The following is an entry in ClinVar:

ClinVar aggregate classification (germline): Uncertain significance (1 of 4 stars; one submission).

Submission:

Labcorp Genetics (formerly Invitae), Labcorp
Classification: Uncertain significance. Last evaluated: 2024-09-21. Review status: criteria provided, single submitter. Criteria: Invitae Variant Classification Sherloc (09022015). Collection method: clinical testing. Allele origin: germline.
Comment: This sequence change replaces valine, which is neutral and non-polar, with alanine, which is neutral and non-polar, at codon 11 of the TRRAP protein (p.Val11Ala). This variant is not present in population databases (gnomAD no frequency). This variant has not been reported in the literature in individuals affected with TRRAP-related conditions. An algorithm developed to predict the effect of missense changes on protein structure and function (PolyPhen-2) suggests that this variant is likely to be tolerated. In summary, the available evidence is currently insufficient to determine the role of this variant in disease. Therefore, it has been classified as a Variant of Uncertain Significance.

NM_001375524.1(TRRAP):c.32T>C (p.Val11Ala)

Gene: TRRAP (transformation/transcription domain associated protein; plus strand). Cytogenetic location: 7q22.1.
Variant type: single nucleotide variant.
Coding change: c.32T>C on transcript NM_001375524.1 (MANE Select); coding-DNA position 32, T replaced by C.
Protein change: p.Val11Ala; replaces valine 11 with alanine.
Molecular consequence: missense variant.
Genome position (GRCh38, 1-based): chr7:98,881,182, T>C. VCF-style: chr7-98881182-T-C. GRCh37 (hg19) VCF-style: chr7-98478805-T-C.
Other names: c.32T>C, p.Val11Ala (NM_001244580.2, NM_003496.4); short protein forms V11A.
Identifiers: ClinVar variation 2834351 (VCV002834351.3), dbSNP rs2484607336, ClinGen allele CA368300868.
Genomic context (GRCh38, chr7:98,881,182, plus strand): 5'-CTTGAGAAGCAAACCAGCCCAAAAGAAAAATGGCGTTTGTTGCAACACAGGGGGCCACGG[T>C]GGTTGACCAGACCACTTTGATGAAAAAGTACCTTCAGTTTGTGGCAGCTCTCACAGATGT-3'
Protein context (NP_001362453.1, residues 1-21): MAFVATQGAT[Val11Ala]VDQTTLMKKY